The following is an entry in ClinVar:

NM_001278512.2(AP3B2):c.1489-1G>C

Genes: AP3B2 (adaptor related protein complex 3 subunit beta 2; minus strand), CPEB1-AS1 (CPEB1 antisense RNA 1; plus strand). Cytogenetic location: 15q25.2.
Variant type: single nucleotide variant.
Coding change: c.1489-1G>C on transcript NM_001278512.2 (MANE Select); the canonical splice acceptor site of the intron before coding-DNA position 1489, G replaced by C.
Molecular consequence: splice acceptor variant.
Genome position (GRCh38, 1-based): chr15:82,676,638, C>G on the plus strand (G>C on the coding strand, the complement: AP3B2 is on the minus strand). VCF-style: chr15-82676638-C-G. GRCh37 (hg19) VCF-style: chr15-83345390-C-G.
Other names: c.1393-1G>C (NM_001278511.2); c.1489-1G>C (NM_004644.5).
Identifiers: ClinVar variation 1481846 (VCV001481846.8), dbSNP rs2151438068, ClinGen allele CA393315613.

ClinVar aggregate classification (germline): Likely pathogenic (1 of 4 stars; one submission).

Submission:

Labcorp Genetics (formerly Invitae), Labcorp
Classification: Likely pathogenic. Last evaluated: 2021-03-27. Review status: criteria provided, single submitter. Criteria: Invitae Variant Classification Sherloc (09022015). Collection method: clinical testing. Allele origin: germline.
Comment: Algorithms developed to predict the effect of sequence changes on RNA splicing suggest that this variant may disrupt the consensus splice site, but this prediction has not been confirmed by published transcriptional studies. In summary, the currently available evidence indicates that the variant is pathogenic, but additional data are needed to prove that conclusively. Therefore, this variant has been classified as Likely Pathogenic. This variant has not been reported in the literature in individuals with AP3B2-related conditions. This sequence change affects an acceptor splice site in intron 13 of the AP3B2 gene. It is expected to disrupt RNA splicing. Variants that disrupt the donor or acceptor splice site typically lead to a loss of protein function (PMID: 16199547), and loss-of-function variants in AP3B2 are known to be pathogenic (PMID: 27889060). This variant is not present in population databases (ExAC no frequency).

Literature cited by the submitters: PubMed 16199547; PubMed 27889060.